The following is an entry in ClinVar:

NM_206933.4(USH2A):c.6730G>A (p.Val2244Met)

Gene: USH2A (usherin; minus strand). Cytogenetic location: 1q41.
Variant type: single nucleotide variant.
Coding change: c.6730G>A on transcript NM_206933.4 (MANE Select); coding-DNA position 6730, G replaced by A.
Protein change: p.Val2244Met; replaces valine 2244 with methionine.
Molecular consequence: missense variant.
Genome position (GRCh38, 1-based): chr1:215,993,095, C>T on the plus strand (G>A on the coding strand, the complement: USH2A is on the minus strand). VCF-style: chr1-215993095-C-T. GRCh37 (hg19) VCF-style: chr1-216166437-C-T.
Other names: short protein forms V2244M.
Identifiers: ClinVar variation 166479 (VCV000166479.52), dbSNP rs550772689, ClinGen allele CA179542.

ClinVar aggregate classification (germline): Uncertain significance. Review status: reviewed by expert panel (3 of 4 stars). 17 submissions from 17 submitters: Uncertain significance (1). 16 of the submissions do not count toward it. Last evaluated 2024-06-28.

Conditions:
USH2A-related disorder. Also called: USH2A-related condition; USH2A-related disorders. Identifiers: MedGen CN239332.
Usher syndrome. Also called: Usher Syndromes; Usher's syndrome. Identifiers: Orphanet 886, MedGen CN469326, MeSH D052245, MONDO:0019501. Disease mechanism: loss of function.
Usher syndrome type 2A. Also called: RETINAL DISEASE IN USHER SYNDROME TYPE IIA, MODIFIER OF; USHER SYNDROME, TYPE IIA. Identifiers: Orphanet 231178, Orphanet 886, MedGen C1848634, MONDO:0010169, OMIM 276901.
Retinitis pigmentosa 39 (RP39). Identifiers: Orphanet 791, MedGen C3151138, MONDO:0013436, OMIM 613809.
Retinal dystrophy. Also called: Inherited retinal dystrophy. Identifiers: Orphanet 71862, MedGen C0854723, MeSH D058499, MONDO:0019118, HP:0000556.
Retinitis pigmentosa (RP). Identifiers: Orphanet 791, MedGen C0035334, MeSH D012174, MONDO:0019200, OMIM 268000. Inheritance: Autosomal dominant, autosomal recessive and X linked inheritance.

Allele frequency attached by ClinVar (database versions not stated): gnomAD below 0.00001 and 0.00013; TOPMed 0.00005; gnomAD exomes 0.00022 and 0.00051; ExAC 0.00058; 1000 Genomes Project 0.00120; 1000 Genomes Project 30x 0.00125.
gnomAD v4.1: 353 of 1,614,066 alleles (0.022%); highest among the groups gnomAD compares: South Asian, 0.34%; 2 homozygotes.

Submissions (17):

ClinGen Hearing Loss Variant Curation Expert Panel
Classification: Uncertain significance for Usher syndrome. Last evaluated: 2024-06-28. Review status: reviewed by expert panel. Criteria: Clingen Hl Acmg Specifications Cdh23 Coch Gjb2 Kcnq4 Myo6 Myo7a Slc26a4 Tecta Ush2a V2. Collection method: curation. Allele origin: germline. Inheritance: Autosomal recessive inheritance.
Comment: The c.6730G>A (p.Val2244Met) variant in USH2A is a missense variant predicted to cause a substitution of valine by methionine at amino acid 2244. The filtering allele frequency (the lower threshold of the 95% CI of 312/91082) of the c.6730G>A (p.Val2244Met) is 0.3112% for South Asian chromosomes by gnomAD v4.1.0, which meets the ClinGen Hearing Loss VCEP threshold (≥0.003) for BS1. The computational predictor REVEL gives a score of 0.28, which is neither above nor below the thresholds predicting a damaging or benign impact on USH2A function. This variant has been detected in at least one individual with Usher syndrome. This individual was compound heterozygous for the variant and a pathogenic or likely pathogenic variant with phase unknown (p.Leu4567Profs*16; PMID: 27460420) (PM3_Supporting). At least one patient with this variant displayed retinitis pigmentosa and sensorineural bilateral hearing loss, which is highly specific for Usher syndrome (PP4; PMID: 27460420). In summary, this variant meets the criteria to be classified as uncertain significance for autosomal recessive Usher syndrome, based on the ACMG/AMP criteria applied, as specified by the ClinGen Hearing Loss VCEP (BS1, PM3_Supporting, PP4; Version 2; 5/15/24).

Labcorp Genetics (formerly Invitae), Labcorp
Classification: Benign. Last evaluated: 2026-01-14. Review status: criteria provided, single submitter. Criteria: Invitae Variant Classification Sherloc (09022015). Collection method: clinical testing. Allele origin: germline. Not counted in ClinVar's aggregate classification.

GeneDx
Classification: Uncertain significance. Last evaluated: 2025-05-20. Review status: criteria provided, single submitter. Criteria: GeneDx Variant Classification Process June 2021. Collection method: clinical testing. Allele origin: germline. Not counted in ClinVar's aggregate classification.
Comment: Identified in a patient with severe-profound congenital deafness in the published literature, however, this individual was reported to have variants in other genes that may have also contributed to the phenotype (PMID: 23804846); In silico analysis suggests that this missense variant does not alter protein structure/function; This variant is associated with the following publications: (PMID: 34426522, 27460420, 23804846, 28041643)

Blueprint Genetics
Classification: Uncertain significance. Last evaluated: 2024-07-09. Review status: criteria provided, single submitter. Criteria: ACMG Guidelines, 2015. Collection method: clinical testing. Allele origin: germline. Not counted in ClinVar's aggregate classification.

SN ONGC Dept of Genetics and Molecular biology Vision Research Foundation
Classification: Likely pathogenic for Usher syndrome. Last evaluated: 2022-12-31. Review status: criteria provided, single submitter. Criteria: ACMG Guidelines, 2015. Collection method: research. Allele origin: unknown. Affected: yes. Observed: 1 variant allele, 1 homozygote. Not counted in ClinVar's aggregate classification.

Fulgent Genetics
Classification: Uncertain significance for Usher syndrome type 2A; Retinitis pigmentosa 39. Last evaluated: 2022-02-04. Review status: criteria provided, single submitter. Criteria: ACMG Guidelines, 2015. Collection method: clinical testing. Allele origin: unknown. Not counted in ClinVar's aggregate classification.

Institute of Human Genetics, Univ. Regensburg, Univ. Regensburg
Classification: Uncertain significance for Retinal dystrophy. Last evaluated: 2022-01-01. Review status: criteria provided, single submitter. Criteria: ACMG Guidelines, 2015. Collection method: clinical testing. Allele origin: germline. Affected: yes. Not counted in ClinVar's aggregate classification.

Foundation for Research in Genetics and Endocrinology, FRIGE's Institute of Human Genetics
Classification: Uncertain significance for Usher syndrome type 2A. Last evaluated: 2021-10-26. Review status: criteria provided, single submitter. Criteria: ACMG Guidelines, 2015. Collection method: clinical testing. Allele origin: maternal. Inheritance: Autosomal recessive inheritance. Affected: yes. Observed: 1 heterozygote. Not counted in ClinVar's aggregate classification.
Comment: A heterozygous missense variation in exon 35 of the USH2A gene that results in the amino acid substitution of Methionine for Valine at codon 2244 was detected. The observed variant c.6730G>A (p.Val2244Met) has a minor allele frequency of 0.1% and 0.006% in the 1000 genomes and gnomAD database respectively. The in silico prediction of the variant are probably damaging by PolyPhen-2 and damaging by SIFT and MutationTaster-2. The reference codon is conserved across species. In summary, the variant meets our criteria to be classified as a variant of uncertain significance.

Laboratory for Molecular Medicine, Mass General Brigham Personalized Medicine
Classification: Uncertain significance. Last evaluated: 2013-12-19. Review status: criteria provided, single submitter. Criteria: LMM Criteria. Collection method: clinical testing. Allele origin: germline. Observed: 1 variant allele. Not counted in ClinVar's aggregate classification.
Comment: The Val2244Met variant in USH2A has been previously reported in one individual w ith hearing loss; however variants in other genes were also identified in this i ndividual and the authors of the study attributed a homozygous variant in anothe r gene for causing the hearing loss (Shearer 2013). Computational analyses (bioc hemical amino acid properties, conservation, AlignGVGD, PolyPhen2, and SIFT) do not provide strong support for or against an impact to the protein. In summary, additional information is needed to fully assess the clinical significance of th is variant.

Neuberg Centre For Genomic Medicine, NCGM
Classification: Uncertain significance for Retinitis pigmentosa 39. Review status: criteria provided, single submitter. Criteria: ACMG Guidelines, 2015. Collection method: clinical testing. Allele origin: germline. Inheritance: Autosomal recessive inheritance. Affected: yes. Not counted in ClinVar's aggregate classification.
Comment: This sequence change replaces valine with methionine at codon 2244 of the USH2A protein (p.Val2244Met). The valine residue is highly conserved and there is a small physicochemical difference between valine and methionine. This variant is present in population databases (rs550772689, ExAC 0.4%), and has an allele count higher than expected for a pathogenic variant (Yuya Kobayashi et al). This variant has been observed in an individual affected retinitis pigmentosa (Keren J Carss et al). This variant has been reported to the ClinVar database as Uncertain significance. The variant is predicted to be damaging by both SIFT and PolyPhen2. The residue is conserved across species. The amino acid change p.Val2244Met in USH2A is predicted as conserved by GERP++ and PhyloP across 100 vertebrates. For these reasons, this variant has been classified as uncertaiin significance.

PreventionGenetics, part of Exact Sciences
Classification: Uncertain significance for USH2A-related condition. Last evaluated: 2024-09-11. Review status: no assertion criteria provided. Collection method: clinical testing. Allele origin: germline. Not counted in ClinVar's aggregate classification.
Comment: The USH2A c.6730G>A variant is predicted to result in the amino acid substitution p.Val2244Met. This variant has been reported in individuals with Usher syndrome type 2 (Supplementary Table 4, Bonnet et al. 2016. PubMed ID: 27460420; Table S2, Carss et al 2016. PubMed ID: 28041643). This variant is reported in 0.40% of alleles in individuals of South Asian descent in gnomAD. At this time, the clinical significance of this variant is uncertain due to the absence of conclusive functional and genetic evidence.

Gen-Eye Clinic, Grow Research Laboratory, Narayana Nethralaya
Classification: Uncertain significance for Retinitis pigmentosa. Last evaluated: 2023-09-12. Review status: no assertion criteria provided. Collection method: clinical testing. Allele origin: germline. Affected: yes. Not counted in ClinVar's aggregate classification.

Natera, Inc.
Classification: Uncertain significance for Usher syndrome type 2A. Last evaluated: 2020-09-16. Review status: no assertion criteria provided. Collection method: clinical testing. Allele origin: germline. Not counted in ClinVar's aggregate classification.

Counsyl
Classification: Uncertain significance for Usher syndrome type 2A; Retinitis pigmentosa 39. Last evaluated: 2018-03-27. Review status: no assertion criteria provided. Collection method: clinical testing. Allele origin: unknown. Not counted in ClinVar's aggregate classification.

NIHR Bioresource Rare Diseases, University of Cambridge
Classification: Uncertain significance for Retinitis pigmentosa. Last evaluated: 2015-01-01. Review status: no assertion criteria provided. Collection method: research. Allele origin: unknown. Affected: yes. Observed: 1 variant allele. Not counted in ClinVar's aggregate classification.

Clinical Genetics DNA and cytogenetics Diagnostics Lab, Erasmus MC, Erasmus Medical Center
Classification: Uncertain significance. Review status: no assertion criteria provided. Collection method: clinical testing. Allele origin: germline. Affected: yes. Study: VKGL Data-share Consensus. Not counted in ClinVar's aggregate classification.

Joint Genome Diagnostic Labs from Nijmegen and Maastricht, Radboudumc and MUMC+
Classification: Uncertain significance. Review status: no assertion criteria provided. Collection method: clinical testing. Allele origin: germline. Affected: yes. Study: VKGL Data-share Consensus. Not counted in ClinVar's aggregate classification.

Literature cited by the submitters: PubMed 27460420 (cited by 3 submitters); PubMed 28041643 (cited by 3 submitters); PubMed 34426522 (cited by Institute of Human Genetics, Univ. Regensburg, Univ. Regensburg); PubMed 23804846 (cited by Laboratory for Molecular Medicine, Mass General Brigham Personalized Medicine and Counsyl).